The following is an entry in ClinVar:

ClinVar aggregate classification (germline): Likely pathogenic (1 of 4 stars; one submission).

Conditions:
Cardiovascular phenotype. Identifiers: MedGen CN230736.

Submission:

Ambry Genetics
Classification: Likely pathogenic for Cardiovascular phenotype. Last evaluated: 2025-07-03. Review status: criteria provided, single submitter. Criteria: Ambry Variant Classification Scheme 2023. Collection method: clinical testing. Allele origin: germline.
Comment: The p.W4055* variant (also known as c.12165G>A), located in coding exon 44 of the TTN gene, results from a G to A substitution at nucleotide position 12165. This changes the amino acid from a tryptophan to a stop codon within coding exon 44. This exon is located in the I-band region of the N2-B isoform of the titin protein and is constitutively expressed in TTN transcripts (percent spliced in or PSI 100%). This variant is considered to be rare based on population cohorts in the Genome Aggregation Database (gnomAD). This variant is expected to result in loss of function by premature protein truncation or nonsense-mediated mRNA decay. While truncating variants in TTN are present in 1-3% of the general population, truncating variants in the A-band are the most common cause of dilated cardiomyopathy (Herman DS et al. N. Engl. J. Med., 2012 Feb;366:619-28; Roberts AM et al. Sci Transl Med, 2015 Jan;7:270ra6). TTN truncating variants encoded in constitutive exons (PSI >90%) have been found to be significantly associated with DCM regardless of their position in titin (Schafer S et al. Nat. Genet., 2017 01;49:46-53; Akhtar MM et al. Circ Heart Fail, 2020 Oct;13:e006832; Massier M et al. Clin Genet, 2025 Jan). Based on the majority of available evidence to date, this variant is likely to be pathogenic.

NM_001267550.2(TTN):c.13254G>A (p.Trp4418Ter)

Gene: TTN (titin; minus strand). Cytogenetic location: 2q31.2.
Variant type: single nucleotide variant.
Coding change: c.13254G>A on transcript NM_001267550.2 (MANE Select); coding-DNA position 13254, G replaced by A.
Protein change: p.Trp4418Ter; replaces tryptophan 4418 with a stop codon.
Molecular consequence: nonsense. On other transcripts: intron variant (1).
Genome position (GRCh38, 1-based): chr2:178,739,979, C>T on the plus strand (G>A on the coding strand, the complement: TTN is on the minus strand). VCF-style: chr2-178739979-C-T. GRCh37 (hg19) VCF-style: chr2-179604706-C-T.
Other names: c.12303G>A, p.Trp4101Ter (NM_001256850.1); c.12165G>A, p.Trp4055Ter (NM_003319.4); c.12540G>A, p.Trp4180Ter (NM_133432.3); c.12741G>A, p.Trp4247Ter (NM_133437.4); c.10361-1619G>A (NM_133378.4); short protein forms W4418*, W4180*, W4055*, W4247*, W4101*.
Identifiers: ClinVar variation 4193700 (VCV004193700.1).